The following is an entry in ClinVar:

ClinVar aggregate classification (germline): Uncertain significance (1 of 4 stars; one submission).

Submission:

GeneDx
Classification: Uncertain significance. Last evaluated: 2026-07-19. Review status: criteria provided, single submitter. Criteria: GeneDx Variant Classification Process June 2021. Collection method: clinical testing. Allele origin: germline.
Comment: Not observed at significant frequency in large population cohorts (gnomAD); In silico analysis supports that this missense variant has a deleterious effect on protein structure/function; Has not been previously published as pathogenic or benign to our knowledge

NM_181552.4(CUX1):c.3973C>T (p.Arg1325Cys)

Gene: CUX1 (cut like homeobox 1; plus strand). Cytogenetic location: 7q22.1.
Variant type: single nucleotide variant.
Coding change: c.3973C>T on transcript NM_181552.4 (MANE Select); coding-DNA position 3973, C replaced by T.
Protein change: p.Arg1325Cys; replaces arginine 1325 with cysteine.
Molecular consequence: missense variant. On other transcripts: intron variant (5).
Genome position (GRCh38, 1-based): chr7:102,248,497, C>T. VCF-style: chr7-102248497-C-T. GRCh37 (hg19) VCF-style: chr7-101891777-C-T.
Other names: c.4006C>T, p.Arg1336Cys (NM_001202543.2); c.1256-24869C>T (NM_001913.5); c.1250-24869C>T (NM_181500.4); c.1118-24869C>T (NM_001202545.3); c.1208-24869C>T (NM_001202544.3); c.1139-24869C>T (NM_001202546.3); short protein forms R1325C, R1336C.
Identifiers: ClinVar variation 3391460 (VCV003391460.2).